The following is an entry in ClinVar:

ClinVar aggregate classification (germline): Uncertain significance (1 of 4 stars; one submission).

Conditions:
Immunodeficiency, common variable, 2 (CVID2). Also called: ANTIBODY DEFICIENCY DUE TO TACI DEFECT; HYPOGAMMAGLOBULINEMIA DUE TO TACI DEFICIENCY. Identifiers: Orphanet 1572, MedGen C3150354, MONDO:0009413, OMIM 240500.

Allele frequency attached by ClinVar (database versions not stated): gnomAD exomes below 0.00001.
gnomAD v4.1: 1 of 1,611,518 alleles (0.000062%); highest among the groups gnomAD compares: East Asian, 0.0022%; no homozygotes.

Submission:

Labcorp Genetics (formerly Invitae), Labcorp
Classification: Uncertain significance for Immunodeficiency, common variable, 2. Last evaluated: 2024-05-26. Review status: criteria provided, single submitter. Criteria: Invitae Variant Classification Sherloc (09022015). Collection method: clinical testing. Allele origin: germline.
Comment: This sequence change replaces serine, which is neutral and polar, with asparagine, which is neutral and polar, at codon 221 of the TNFRSF13B protein (p.Ser221Asn). The frequency data for this variant in the population databases is considered unreliable, as metrics indicate poor data quality at this position in the gnomAD database. This variant has not been reported in the literature in individuals affected with TNFRSF13B-related conditions. ClinVar contains an entry for this variant (Variation ID: 938917). Advanced modeling of protein sequence and biophysical properties (such as structural, functional, and spatial information, amino acid conservation, physicochemical variation, residue mobility, and thermodynamic stability) performed at Invitae indicates that this missense variant is not expected to disrupt TNFRSF13B protein function with a negative predictive value of 80%. In summary, the available evidence is currently insufficient to determine the role of this variant in disease. Therefore, it has been classified as a Variant of Uncertain Significance.

NM_012452.3(TNFRSF13B):c.662G>A (p.Ser221Asn)

Gene: TNFRSF13B (TNF receptor superfamily member 13B; minus strand). Cytogenetic location: 17p11.2.
Variant type: single nucleotide variant.
Coding change: c.662G>A on transcript NM_012452.3 (MANE Select); coding-DNA position 662, G replaced by A.
Protein change: p.Ser221Asn; replaces serine 221 with asparagine.
Molecular consequence: missense variant.
Genome position (GRCh38, 1-based): chr17:16,939,767, C>T on the plus strand (G>A on the coding strand, the complement: TNFRSF13B is on the minus strand). VCF-style: chr17-16939767-C-T. GRCh37 (hg19) VCF-style: chr17-16843081-C-T.
Other names: short protein forms S221N.
Identifiers: ClinVar variation 938917 (VCV000938917.6), dbSNP rs1201167195, ClinGen allele CA398519283.